The following is an entry in ClinVar:

ClinVar aggregate classification (germline): Likely benign (1 of 4 stars; one submission).

Submission:

CeGaT Center for Human Genetics Tuebingen
Classification: Likely benign. Last evaluated: 2025-11-01. Review status: criteria provided, single submitter. Criteria: CeGaT Center For Human Genetics Tuebingen Variant Classification Criteria Version 2. Collection method: clinical testing. Allele origin: germline. Affected: yes. Observed: 1 variant allele.
Comment: FCGBP: BP4, BP7

NM_003890.3(FCGBP):c.13515C>T (p.His4505=)

Gene: FCGBP (Fc gamma binding protein; minus strand). Cytogenetic location: 19q13.2.
Variant type: single nucleotide variant.
Coding change: c.13515C>T on transcript NM_003890.3 (MANE Select); coding-DNA position 13515, C replaced by T.
Protein change: p.His4505=; no amino-acid change (histidine 4505 retained).
Molecular consequence: synonymous variant.
Genome position (GRCh38, 1-based): chr19:39,876,805, G>A on the plus strand (C>T on the coding strand, the complement: FCGBP is on the minus strand). VCF-style: chr19-39876805-G-A. GRCh37 (hg19) VCF-style: chr19-40367445-G-A.
Identifiers: ClinVar variation 4534081 (VCV004534081.6).